The following is an entry in ClinVar:

NM_177438.3(DICER1):c.5509A>G (p.Met1837Val)

Gene: DICER1 (dicer 1, ribonuclease III; minus strand). Cytogenetic location: 14q32.13.
Variant type: single nucleotide variant.
Coding change: c.5509A>G on transcript NM_177438.3 (MANE Select); coding-DNA position 5509, A replaced by G.
Protein change: p.Met1837Val; replaces methionine 1837 with valine.
Molecular consequence: missense variant. On other transcripts: intron variant (1).
Genome position (GRCh38, 1-based): chr14:95,091,221, T>C on the plus strand (A>G on the coding strand, the complement: DICER1 is on the minus strand). VCF-style: chr14-95091221-T-C. GRCh37 (hg19) VCF-style: chr14-95557558-T-C.
Other names: NM_177438.3(DICER1):c.5509A>G; p.Met1837Val; c.5509A>G, p.Met1837Val (NM_001271282.3, NM_001291628.2, NM_030621.4); c.5365-112A>G (NM_001195573.1); short protein forms M1837V.
Identifiers: ClinVar variation 825790 (VCV000825790.16), dbSNP rs1595314140, ClinGen allele CA390864497.
Genomic context (GRCh38, chr14:95,091,221, plus strand): 5'-AATTTTGTGGGTTTTTTTCTTTCTAAAGGGAGCCAACAATACCTATTAGTGGCCGCATCA[T>C]GGGATAGTACACCTGCCAGACTGTCTCCAGTGACATCCCACTATCCATGTAAATGGCACC-3'
Protein context (NP_803187.1, residues 1827-1847): LETVWQVYYP[Met1837Val]MRPLIEKFSA

ClinVar aggregate classification (germline): Uncertain significance. Review status: reviewed by expert panel (3 of 4 stars). 4 submissions from 4 submitters: Uncertain significance (1). 3 of the submissions do not count toward it. Last evaluated 2025-06-24.

Conditions:
Hereditary cancer-predisposing syndrome. Also called: Neoplastic Syndromes, Hereditary; Hereditary Cancer Syndrome; Hereditary neoplastic syndrome; Tumor predisposition. Identifiers: Orphanet 140162, MedGen C0027672, MeSH D009386, MONDO:0015356.
DICER1-related tumor predisposition. Also called: DICER1-related pleuropulmonary blastoma cancer predisposition syndrome; DICER1 syndrome. Identifiers: Orphanet 284343, MedGen C3839822, MONDO:0100216.

Allele frequency attached by ClinVar (database versions not stated): gnomAD exomes below 0.00001; gnomAD 0.00001.

Submissions (4):

ClinGen DICER1 and miRNA-Processing Gene Variant Curation Expert Panel, ClinGen
Classification: Uncertain significance for DICER1-related tumor predisposition. Last evaluated: 2025-06-24. Review status: reviewed by expert panel. Criteria: ClinGen DICER1 ACMG Specifications DICER1 V1.3.0. Collection method: curation. Allele origin: germline. Inheritance: Autosomal dominant inheritance.
Comment: The NM_177438.2:c.5509A>G variant in DICER1 is a missense variant predicted to cause substitution of Methionine by Valine at amino acid 1837 (p.Met1837Val). The total allele frequency in gnomAD v4.1.0 is 0.000001859 (3/1614072 alleles) with a highest population minor allele frequency of 0.00006683 with multiple alleles present (3/44892 alleles) in the East Asian population (PM2_Supporting, BS1, and BA1 are not met). The computational predictor REVEL gives a score of 0.594, which is neither above nor below the thresholds predicting a damaging or benign impact on DICER1 function (PP3 and BP4 not met). This variant resides within the RNase IIIb domain (PM1_Supporting; PMID: 31342592). In summary, this variant meets the criteria to be classified as Uncertain significance for DICER1-related tumor predisposition based on the ACMG/AMP criteria applied, as specified by the ClinGen DICER1 VCEP: PM1_supporting. (Bayesian Points: 1; VCEP specifications version 1.3.0, 06/24/2025)

Labcorp Genetics (formerly Invitae), Labcorp
Classification: Uncertain significance for DICER1-related tumor predisposition. Last evaluated: 2024-06-11. Review status: criteria provided, single submitter. Criteria: Invitae Variant Classification Sherloc (09022015). Collection method: clinical testing. Allele origin: germline. Not counted in ClinVar's aggregate classification.
Comment: This sequence change replaces methionine, which is neutral and non-polar, with valine, which is neutral and non-polar, at codon 1837 of the DICER1 protein (p.Met1837Val). This variant is not present in population databases (gnomAD no frequency). This variant has not been reported in the literature in individuals affected with DICER1-related conditions. ClinVar contains an entry for this variant (Variation ID: 825790). An algorithm developed to predict the effect of missense changes on protein structure and function (PolyPhen-2) suggests that this variant is likely to be disruptive. In summary, the available evidence is currently insufficient to determine the role of this variant in disease. Therefore, it has been classified as a Variant of Uncertain Significance.

Ambry Genetics
Classification: Uncertain significance for Hereditary cancer-predisposing syndrome. Last evaluated: 2023-11-30. Review status: criteria provided, single submitter. Criteria: Ambry Variant Classification Scheme 2023. Collection method: clinical testing. Allele origin: germline. Not counted in ClinVar's aggregate classification.
Comment: The p.M1837V variant (also known as c.5509A>G), located in coding exon 24 of the DICER1 gene, results from an A to G substitution at nucleotide position 5509. The methionine at codon 1837 is replaced by valine, an amino acid with highly similar properties. This amino acid position is highly conserved in available vertebrate species. In addition, this alteration is predicted to be deleterious by in silico analysis. Since supporting evidence is limited at this time, the clinical significance of this alteration remains unclear.

GeneDx
Classification: Uncertain significance. Last evaluated: 2023-06-09. Review status: criteria provided, single submitter. Criteria: GeneDx Variant Classification Process June 2021. Collection method: clinical testing. Allele origin: germline. Affected: yes. Not counted in ClinVar's aggregate classification.
Comment: Not observed at significant frequency in large population cohorts (gnomAD); In silico analysis supports that this missense variant does not alter protein structure/function; Has not been previously published as pathogenic or benign to our knowledge